The following is an entry in ClinVar:

NM_005359.6(SMAD4):c.1652dup (p.Leu551fs)

Gene: SMAD4 (SMAD family member 4; plus strand). Cytogenetic location: 18q21.2.
Variant type: Duplication.
Coding change: c.1652dup on transcript NM_005359.6 (MANE Select); coding-DNA position 1652, one base duplicated (T; older notation c.1652dupT).
Protein change: p.Leu551fs; shifts the reading frame from leucine 551.
Molecular consequence: frameshift variant. On other transcripts: non-coding transcript variant (1).
Genome position (GRCh38, 1-based): chr18:51,078,460, T duplicated; the last of 3 consecutive T bases (chr18:51,078,458-51,078,460); duplicating any one gives the same sequence. VCF-style (leftmost placement, unchanged base first): chr18-51078457-C-CT. GRCh37 (hg19) VCF-style: chr18-48604827-C-CT.
Other names: c.1652dup, p.Leu551fs (NM_001407041.1, NM_001407042.1); short protein forms L551fs.
Identifiers: ClinVar variation 3661300 (VCV003661300.2).

ClinVar aggregate classification (germline): Uncertain significance (1 of 4 stars; one submission).

Conditions:
Juvenile polyposis syndrome (JPS). Identifiers: Orphanet 2929, MedGen C0345893, MONDO:0017380, OMIM 174900.

Submission:

Labcorp Genetics (formerly Invitae), Labcorp
Classification: Uncertain significance for Juvenile polyposis syndrome. Last evaluated: 2024-08-03. Review status: criteria provided, single submitter. Criteria: Invitae Variant Classification Sherloc (09022015). Collection method: clinical testing. Allele origin: germline.
Comment: This sequence change results in a frameshift in the SMAD4 gene (p.Leu551Phefs*26). While this is not anticipated to result in nonsense mediated decay, it is expected to disrupt the last 2 amino acid(s) of the SMAD4 protein and extend the protein by 23 additional amino acid residues. This variant is not present in population databases (gnomAD no frequency). This variant has not been reported in the literature in individuals affected with SMAD4-related conditions. Experimental studies and prediction algorithms are not available or were not evaluated, and the functional significance of this variant is currently unknown. In summary, the available evidence is currently insufficient to determine the role of this variant in disease. Therefore, it has been classified as a Variant of Uncertain Significance.